The following is an entry in ClinVar:

ClinVar aggregate classification (germline): Uncertain significance (1 of 4 stars; one submission).

Allele frequency attached by ClinVar (database versions not stated): gnomAD exomes 0.00001; TOPMed 0.00001.
gnomAD v4.1: 6 of 1,612,310 alleles (0.00037%); highest among the groups gnomAD compares: Admixed American, 0.0033%; no homozygotes.

Submission:

Labcorp Genetics (formerly Invitae), Labcorp
Classification: Uncertain significance. Last evaluated: 2025-11-22. Review status: criteria provided, single submitter. Criteria: Invitae Variant Classification Sherloc (09022015). Collection method: clinical testing. Allele origin: germline.
Comment: This sequence change replaces alanine, which is neutral and non-polar, with threonine, which is neutral and polar, at codon 4414 of the HMCN1 protein (p.Ala4414Thr). This variant is present in population databases (no rsID available, gnomAD 0.003%). This variant has not been reported in the literature in individuals affected with HMCN1-related conditions. ClinVar contains an entry for this variant (Variation ID: 1377259). An algorithm developed to predict the effect of missense changes on protein structure and function (PolyPhen-2) suggests that this variant is likely to be disruptive. In summary, the available evidence is currently insufficient to determine the role of this variant in disease. Therefore, it has been classified as a Variant of Uncertain Significance.

NM_031935.3(HMCN1):c.13240G>A (p.Ala4414Thr)

Gene: HMCN1 (hemicentin 1; plus strand). Cytogenetic location: 1q31.1.
Variant type: single nucleotide variant.
Coding change: c.13240G>A on transcript NM_031935.3 (MANE Select); coding-DNA position 13240, G replaced by A.
Protein change: p.Ala4414Thr; replaces alanine 4414 with threonine.
Molecular consequence: missense variant.
Genome position (GRCh38, 1-based): chr1:186,132,337, G>A. VCF-style: chr1-186132337-G-A. GRCh37 (hg19) VCF-style: chr1-186101469-G-A.
Other names: short protein forms A4414T.
Identifiers: ClinVar variation 1377259 (VCV001377259.6), dbSNP rs969015389, ClinGen allele CA33464620.